The following is an entry in ClinVar:

NM_001009944.3(PKD1):c.12391G>T (p.Glu4131Ter)

Gene: PKD1 (polycystin 1, transient receptor potential channel interacting; minus strand). Cytogenetic location: 16p13.3.
Variant type: single nucleotide variant.
Coding change: c.12391G>T on transcript NM_001009944.3 (MANE Select); coding-DNA position 12391, G replaced by T.
Protein change: p.Glu4131Ter; replaces glutamic acid 4131 with a stop codon.
Molecular consequence: nonsense.
Genome position (GRCh38, 1-based): chr16:2,090,338, C>A on the plus strand (G>T on the coding strand, the complement: PKD1 is on the minus strand). VCF-style: chr16-2090338-C-A. GRCh37 (hg19) VCF-style: chr16-2140339-C-A.
Other names: c.12388G>T, p.Glu4130Ter (NM_000296.4); short protein forms E4130*, E4131*.
Identifiers: ClinVar variation 828104 (VCV000828104.4), dbSNP rs764447736, ClinGen allele CA7828662.
Genomic context (GRCh38, chr16:2,090,338, plus strand): 5'-TACCCACCTCCTTGACCTTGCTGAGGCCCATCCAGAGGCGCAGCCTGCGCAGGAACAACT[C>A]CACCATCTCGTAGTCCTGGGGCTCCCAGGCCGGCCGGTACAGCTCTCCACGCAAGGCGTG-3'

ClinVar aggregate classification (germline): Pathogenic. Review status: criteria provided, multiple submitters, no conflicts (2 of 4 stars). 4 submissions from 4 submitters: Pathogenic (3). 1 of the submissions does not count toward it. Last evaluated 2025-09-10.

Conditions:
Polycystic kidney disease, adult type (PKD1). Also called: POLYCYSTIC KIDNEY DISEASE 1 WITH OR WITHOUT POLYCYSTIC LIVER DISEASE; Polycystic Kidney, Autosomal Dominant; Polycystic Kidney Disease 1, Autosomal Dominant; Polycystic kidney disease 1; Polycystic kidney disease 1, severe; POLYCYSTIC KIDNEY DISEASE, ADULT, TYPE I. Identifiers: MedGen C3149841, MONDO:0008263, OMIM 173900.

Allele frequency attached by ClinVar (database versions not stated): gnomAD exomes 0.00003; TOPMed 0.00001; ExAC 0.00004; gnomAD 0.00002.
gnomAD v4.1: 11 of 1,612,288 alleles (0.00068%); highest among the groups gnomAD compares: East Asian, 0.0067%; no homozygotes.

Submissions (4):

Genomic Medicine Center of Excellence, King Faisal Specialist Hospital and Research Centre
Classification: Pathogenic for Polycystic kidney disease, adult type. Last evaluated: 2025-09-10. Review status: criteria provided, single submitter. Criteria: ACMG Guidelines, 2015. Collection method: clinical testing. Allele origin: germline.

Variantyx, Inc.
Classification: Pathogenic for Polycystic kidney disease, adult type. Last evaluated: 2025-08-14. Review status: criteria provided, single submitter. Criteria: Variantyx Assertion Criteria 2022. Collection method: clinical testing. Allele origin: germline. Inheritance: Autosomal dominant inheritance. Affected: yes.
Comment: This is a nonsense variant in the PKD1 gene (OMIM: 601313). Pathogenic variants in this gene have been associated with autosomal dominant polycystic kidney disease 1. This variant has been reported in the heterozygous state in at least two unrelated affected individuals (PMID: 30333007, 23985799) (PS4). The alteration introduces a premature termination codon in exon 45 out of 46 and is expected to result in loss of function, which is a known disease mechanism for PKD1 in this disorder (PMID: 29529603, 24694054, 25491204) (PVS1). This variant has a 0.0067% maximum allele frequency in non-founder control populations (PM2). Based on the current evidence, this variant is classified as pathogenic for autosomal dominant polycystic kidney disease 1.

Juno Genomics, Hangzhou Juno Genomics, Inc
Classification: Pathogenic for Polycystic kidney disease, adult type. Review status: criteria provided, single submitter. Criteria: ACMG Guidelines, 2015. Collection method: clinical testing. Allele origin: germline. Affected: yes.
Comment: Absent from controls (or at extremely low frequency if recessive) in Genome Aggregation Database, Exome Sequencing Project, 1000 Genomes Project, or Exome Aggregation Consortium.;Null variant in a gene where loss of function (LOF) is a known mechanism of disease.;The prevalence of the variant in affected individuals is significantly increased compared to the prevalence in controls.;Patient's phenotype or family history is highly specific for a disease with a single genetic etiology.

Biochemical Molecular Genetic Laboratory, King Abdulaziz Medical City
Classification: Pathogenic for Polycystic kidney disease, adult type. Last evaluated: 2020-02-05. Review status: no assertion criteria provided. Collection method: clinical testing. Allele origin: germline. Affected: yes. Not counted in ClinVar's aggregate classification.

Literature cited by the submitters: PubMed 29529603 (cited by Variantyx, Inc.); PubMed 24694054 (cited by Variantyx, Inc.); PubMed 25491204 (cited by Variantyx, Inc.).